The following is an entry in ClinVar:

ClinVar aggregate classification (germline): Conflicting classifications of pathogenicity. Review status: criteria provided, conflicting classifications (1 of 4 stars). 2 submissions from 2 submitters: Pathogenic (1); Uncertain significance (1). Last evaluated 2025-01-27.

Conditions:
Early-infantile DEE. Also called: Ohtahara syndrome; Early infantile epileptic encephalopathy with suppression bursts; Early infantile epileptic encephalopathy. Identifiers: Orphanet 1934, MedGen C0393706, MONDO:0800491.

Submissions (2):

Labcorp Genetics (formerly Invitae), Labcorp
Classification: Pathogenic for Early-infantile DEE. Last evaluated: 2025-01-27. Review status: criteria provided, single submitter. Criteria: Invitae Variant Classification Sherloc (09022015). Collection method: clinical testing. Allele origin: germline.
Comment: This sequence change creates a premature translational stop signal (p.Thr1970Asnfs*6) in the SCN1A gene. While this is not anticipated to result in nonsense mediated decay, it is expected to disrupt the last 40 amino acid(s) of the SCN1A protein. This variant is not present in population databases (gnomAD no frequency). This variant has not been reported in the literature in individuals affected with SCN1A-related conditions. ClinVar contains an entry for this variant (Variation ID: 2167191). Experimental studies and prediction algorithms are not available or were not evaluated, and the functional significance of this variant is currently unknown. This variant disrupts a region of the SCN1A protein in which other variant(s) (p.Arg1988Trp) have been determined to be pathogenic (PMID: 23708187; internal data). This suggests that this is a clinically significant region of the protein, and that variants that disrupt it are likely to be disease-causing. For these reasons, this variant has been classified as Pathogenic.

GeneDx
Classification: Uncertain significance. Last evaluated: 2024-04-25. Review status: criteria provided, single submitter. Criteria: GeneDx Variant Classification Process June 2021. Collection method: clinical testing. Allele origin: germline. Affected: yes.
Comment: Not observed at significant frequency in large population cohorts (gnomAD); Frameshift variant predicted to result in abnormal protein length as the last 40 amino acids are replaced with 5 different amino acids; Has not been previously published as pathogenic or benign to our knowledge

Literature cited by the submitters: PubMed 23708187 (cited by Labcorp Genetics (formerly Invitae), Labcorp).

NM_001165963.4(SCN1A):c.5905_5908dup (p.Thr1970fs)

Genes: SCN1A (sodium voltage-gated channel alpha subunit 1; minus strand), LOC102724058 (uncharacterized LOC102724058; plus strand). Cytogenetic location: 2q24.3.
Variant type: Duplication.
Coding change: c.5905_5908dup on transcript NM_001165963.4 (MANE Select); coding-DNA positions 5905 to 5908, 4 bases duplicated (ATTA; older notation c.5905_5908dupATTA).
Protein change: p.Thr1970fs; shifts the reading frame from threonine 1970.
Molecular consequence: frameshift variant. On other transcripts: non-coding transcript variant (1).
Genome position (GRCh38, 1-based): chr2:165,991,367-165,991,370, TAAT duplicated on the plus strand (ATTA on the coding strand, the reverse complement: SCN1A is on the minus strand). VCF-style (leftmost placement, unchanged base first): chr2-165991366-G-GTAAT. GRCh37 (hg19) VCF-style: chr2-166847876-G-GTAAT.
Other names: c.5821_5824dup, p.Thr1942fs (NM_001165964.3, NM_001353957.2, NM_001353958.2); c.5905_5908dup, p.Thr1970fs (NM_001202435.3, NM_001353948.2); c.5872_5875dup, p.Thr1959fs (NM_001353949.2, NM_001353950.2, NM_001353951.2 and 2 more transcripts); c.5869_5872dup, p.Thr1958fs (NM_001353954.2, NM_001353955.2); c.5818_5821dup, p.Thr1941fs (NM_001353960.2); c.3463_3466dup, p.Thr1156fs (NM_001353961.2); c.5905_5908dup (NM_001165963.1); short protein forms T1941fs, T1942fs, T1959fs, T1156fs, T1958fs, T1970fs.
Identifiers: ClinVar variation 2167191 (VCV002167191.5), dbSNP rs2468324092, ClinGen allele CA2533469504.
Genomic context (GRCh38, chr2:165,991,366, plus strand): 5'-GTCACCCGGTCATAGGAAGGTGGACAAGCTGCAGTGGACATGGTCAGATCAGTTTTTTCT[G>GTAAT]TAATAGAGTTTTCATTTATTCTGTCAATTATCATGTCTTCTTTTATAAGAAGATTAGCCC-3'